The following is an entry in ClinVar:

NM_001009944.3(PKD1):c.2097+5G>A

Gene: PKD1 (polycystin 1, transient receptor potential channel interacting; minus strand). Cytogenetic location: 16p13.3.
Variant type: single nucleotide variant.
Coding change: c.2097+5G>A on transcript NM_001009944.3 (MANE Select); 5 bases into the intron after coding-DNA position 2097, G replaced by A.
Molecular consequence: intron variant.
Genome position (GRCh38, 1-based): chr16:2,115,373, C>T on the plus strand (G>A on the coding strand, the complement: PKD1 is on the minus strand). VCF-style: chr16-2115373-C-T. GRCh37 (hg19) VCF-style: chr16-2165374-C-T.
Other names: c.2097+5G>A (NM_000296.4).
Identifiers: ClinVar variation 873345 (VCV000873345.1), dbSNP rs2092614616, ClinGen allele CA1139664362.

ClinVar aggregate classification (germline): Uncertain significance (1 of 4 stars; one submission).

Conditions:
Polycystic kidney disease, adult type (PKD1). Also called: POLYCYSTIC KIDNEY DISEASE 1 WITH OR WITHOUT POLYCYSTIC LIVER DISEASE; Polycystic Kidney Disease 1, Autosomal Dominant; Polycystic kidney disease 1; Polycystic kidney disease 1, severe; Polycystic Kidney, Autosomal Dominant; POLYCYSTIC KIDNEY DISEASE, ADULT, TYPE I. Identifiers: MedGen C3149841, MONDO:0008263, OMIM 173900.

Submission:

Cavalleri Lab, Royal College of Surgeons in Ireland
Classification: Uncertain significance for Polycystic kidney disease, adult type. Last evaluated: 2020-02-05. Review status: criteria provided, single submitter. Criteria: ACMG Guidelines, 2015. Collection method: research. Allele origin: unknown. Inheritance: Autosomal dominant inheritance. Affected: yes.
Comment: PVS1, PP4